The following is an entry in ClinVar:

ClinVar aggregate classification (germline): Uncertain significance (1 of 4 stars; one submission).

Conditions:
Primary immunodeficiency with post-measles-mumps-rubella vaccine viral infection. Also called: Immunodeficiency 44. Identifiers: Orphanet 431166, MedGen C4225260, MONDO:0014715, OMIM 616636.

Allele frequency attached by ClinVar (database versions not stated): TOPMed 0.00001; gnomAD 0.00003.
gnomAD v4.1: 11 of 1,614,064 alleles (0.00068%); highest among the groups gnomAD compares: Non-Finnish European, 0.00093%; no homozygotes.

Submission:

Labcorp Genetics (formerly Invitae), Labcorp
Classification: Uncertain significance for Primary immunodeficiency with post-measles-mumps-rubella vaccine viral infection. Last evaluated: 2025-08-02. Review status: criteria provided, single submitter. Criteria: Invitae Variant Classification Sherloc (09022015). Collection method: clinical testing. Allele origin: germline.
Comment: This sequence change replaces valine, which is neutral and non-polar, with methionine, which is neutral and non-polar, at codon 454 of the STAT2 protein (p.Val454Met). This variant is not present in population databases (gnomAD no frequency). This variant has not been reported in the literature in individuals affected with STAT2-related conditions. ClinVar contains an entry for this variant (Variation ID: 2177638). Invitae Evidence Modeling of protein sequence and biophysical properties (such as structural, functional, and spatial information, amino acid conservation, physicochemical variation, residue mobility, and thermodynamic stability) indicates that this missense variant is expected to disrupt STAT2 protein function with a positive predictive value of 80%. In summary, the available evidence is currently insufficient to determine the role of this variant in disease. Therefore, it has been classified as a Variant of Uncertain Significance.

NM_005419.4(STAT2):c.1360G>A (p.Val454Met)

Gene: STAT2 (signal transducer and activator of transcription 2; minus strand). Cytogenetic location: 12q13.3.
Variant type: single nucleotide variant.
Coding change: c.1360G>A on transcript NM_005419.4 (MANE Select); coding-DNA position 1360, G replaced by A.
Protein change: p.Val454Met; replaces valine 454 with methionine.
Molecular consequence: missense variant. On other transcripts: intron variant (1).
Genome position (GRCh38, 1-based): chr12:56,349,243, C>T on the plus strand (G>A on the coding strand, the complement: STAT2 is on the minus strand). VCF-style: chr12-56349243-C-T. GRCh37 (hg19) VCF-style: chr12-56743027-C-T.
Other names: c.1327G>A, p.Val443Met (NM_001385110.1); c.1360G>A, p.Val454Met (NM_001385113.1); c.1339G>A, p.Val447Met (NM_001385114.1); c.1348G>A, p.Val450Met (NM_001385115.1, NM_198332.2); c.1341+183G>A (NM_001385111.1); short protein forms V450M, V454M, V443M, V447M.
Identifiers: ClinVar variation 2177638 (VCV002177638.2), dbSNP rs1211423547, ClinGen allele CA385261063.